The following is an entry in ClinVar:

ClinVar aggregate classification (germline): Benign/Likely benign. Review status: criteria provided, multiple submitters, no conflicts (2 of 4 stars). 2 submissions from 2 submitters: Benign (1); Likely benign (1). Last evaluated 2023-04-01.

Allele frequency attached by ClinVar (database versions not stated): 1000 Genomes Project 0.00459; 1000 Genomes Project 30x 0.00484; TOPMed 0.00678; gnomAD 0.00725 and 0.00733.
gnomAD v4.1: 1,107 of 152,254 alleles (0.73%); highest among the groups gnomAD compares: Non-Finnish European, 1.1%; 7 homozygotes.

Submissions (2):

CeGaT Center for Human Genetics Tuebingen
Classification: Benign. Last evaluated: 2023-04-01. Review status: criteria provided, single submitter. Criteria: CeGaT Center For Human Genetics Tuebingen Variant Classification Criteria Version 2. Collection method: clinical testing. Allele origin: germline. Affected: yes. Observed: 6 variant alleles.
Comment: CEP41: BS1, BS2

GeneDx
Classification: Likely benign. Last evaluated: 2018-11-25. Review status: criteria provided, single submitter. Criteria: GeneDx Variant Classification Process June 2021. Collection method: clinical testing. Allele origin: germline. Affected: yes.

NM_018718.3(CEP41):c.423-293G>A

Gene: CEP41 (centrosomal protein 41; minus strand). Cytogenetic location: 7q32.2.
Variant type: single nucleotide variant.
Coding change: c.423-293G>A on transcript NM_018718.3 (MANE Select); 293 bases into the intron before coding-DNA position 423, G replaced by A.
Molecular consequence: intron variant.
Genome position (GRCh38, 1-based): chr7:130,403,092, C>T on the plus strand (G>A on the coding strand, the complement: CEP41 is on the minus strand). VCF-style: chr7-130403092-C-T. GRCh37 (hg19) VCF-style: chr7-130042933-C-T.
Other names: c.375-293G>A (NM_001257159.2); c.423-293G>A (NM_001257158.2).
Identifiers: ClinVar variation 1204890 (VCV001204890.27), dbSNP rs192743446, ClinGen allele CA166904489.
Genomic context (GRCh38, chr7:130,403,092, plus strand): 5'-TTCAGACAATGCGTGTCAGTGCATTACATGGCTGAGGGGGTAGGGACTGAAGGGCACATG[C>T]TGCCTCTAGCCACAAGGGCAGCATCAGAGGGAGAAAGAGGGGAACTGTGAATCCAGTAGA-3'